The following is an entry in ClinVar:

ClinVar aggregate classification (germline): Likely pathogenic. Review status: criteria provided, multiple submitters, no conflicts (2 of 4 stars). 2 submissions from 2 submitters: Likely pathogenic (2). Last evaluated 2024-03-09.

Conditions:
Familial hemophagocytic lymphohistiocytosis 3 (FHL3). Also called: UNC13D-Related Familial Hemophagocytic Lymphohistiocytosis (UNC13D-fHLH). Identifiers: Orphanet 540, MedGen C1837174, MONDO:0012146, OMIM 608898.

Allele frequency attached by ClinVar (database versions not stated): gnomAD exomes below 0.00001; gnomAD 0.00001; TOPMed 0.00001.
gnomAD v4.1: 4 of 1,579,276 alleles (0.00025%); highest among the groups gnomAD compares: Admixed American, 0.0037%; no homozygotes.

Submissions (2):

Fulgent Genetics
Classification: Likely pathogenic for Familial hemophagocytic lymphohistiocytosis 3. Last evaluated: 2024-03-09. Review status: criteria provided, single submitter. Criteria: ACMG Guidelines, 2015. Collection method: clinical testing. Allele origin: germline.

Labcorp Genetics (formerly Invitae), Labcorp
Classification: Likely pathogenic for Familial hemophagocytic lymphohistiocytosis 3. Last evaluated: 2022-10-12. Review status: criteria provided, single submitter. Criteria: Invitae Variant Classification Sherloc (09022015). Collection method: clinical testing. Allele origin: germline.
Comment: In summary, the currently available evidence indicates that the variant is pathogenic, but additional data are needed to prove that conclusively. Therefore, this variant has been classified as Likely Pathogenic. Algorithms developed to predict the effect of sequence changes on RNA splicing suggest that this variant may disrupt the consensus splice site. Disruption of this splice site has been observed in individual(s) with hemophagocytic lymphohistiocytosis (PMID: 32542393). This variant is present in population databases (no rsID available, gnomAD 0.004%). This sequence change affects a donor splice site in intron 25 of the UNC13D gene. It is expected to disrupt RNA splicing. Variants that disrupt the donor or acceptor splice site typically lead to a loss of protein function (PMID: 16199547), and loss-of-function variants in UNC13D are known to be pathogenic (PMID: 14622600).

Literature cited by the submitters: PubMed 32542393 (cited by Labcorp Genetics (formerly Invitae), Labcorp); PubMed 16199547 (cited by Labcorp Genetics (formerly Invitae), Labcorp); PubMed 14622600 (cited by Labcorp Genetics (formerly Invitae), Labcorp).

NM_199242.3(UNC13D):c.2447+2T>C

Gene: UNC13D (unc-13 homolog D; minus strand). Cytogenetic location: 17q25.1.
Variant type: single nucleotide variant.
Coding change: c.2447+2T>C on transcript NM_199242.3 (MANE Select); the canonical splice donor site of the intron after coding-DNA position 2447, T replaced by C.
Molecular consequence: splice donor variant.
Genome position (GRCh38, 1-based): chr17:75,832,964, A>G on the plus strand (T>C on the coding strand, the complement: UNC13D is on the minus strand). VCF-style: chr17-75832964-A-G. GRCh37 (hg19) VCF-style: chr17-73829045-A-G.
Identifiers: ClinVar variation 2185334 (VCV002185334.5), dbSNP rs1471901138, ClinGen allele CA401084448.